The following is an entry in ClinVar:

NM_014009.4(FOXP3):c.1001A>G (p.His334Arg)

Gene: FOXP3 (forkhead box P3; minus strand). Cytogenetic location: Xp11.23.
Variant type: single nucleotide variant.
Coding change: c.1001A>G on transcript NM_014009.4 (MANE Select); coding-DNA position 1001, A replaced by G.
Protein change: p.His334Arg; replaces histidine 334 with arginine.
Molecular consequence: missense variant.
Genome position (GRCh38, 1-based): chrX:49,253,169, T>C on the plus strand (A>G on the coding strand, the complement: FOXP3 is on the minus strand). VCF-style: chrX-49253169-T-C. GRCh37 (hg19) VCF-style: chrX-49109630-T-C.
Other names: c.896A>G, p.His299Arg (NM_001114377.2); short protein forms H299R, H334R.
Identifiers: ClinVar variation 4744262 (VCV004744262.1).
Genomic context (GRCh38, chrX:49,253,169, plus strand): 5'-CGAGCTGCCCTGCTTACCCAGCGGATGAGCGTGGCGTAGGTGAAAGGGGGTCGCATGTTG[T>C]GGAACTTGAAGTAGTCCATGTTGTGGAGGAACTCTGTCAGAGGGTGGGGATGAATCAAGC-3'
Protein context (NP_054728.2, residues 324-344): FLHNMDYFKF[His334Arg]NMRPPFTYAT

ClinVar aggregate classification (germline): Uncertain significance (1 of 4 stars; one submission).

Conditions:
Insulin-dependent diabetes mellitus secretory diarrhea syndrome (IPEX). Also called: Immunodysregulation, polyendocrinopathy, and enteropathy, X-linked; Immunodeficiency, Polyendocrinopathy, and Enteropathy X-Linked Syndrome; X-Linked Syndrome of Polyendocrinopathy, Immune Dysfunction, and Diarrhea; DIABETES MELLITUS, CONGENITAL INSULIN-DEPENDENT, WITH FATAL SECRETORY DIARRHEA; DIARRHEA, POLYENDOCRINOPATHY, FATAL INFECTION SYNDROME, X-LINKED; ENTEROPATHY, AUTOIMMUNE, WITH HEMOLYTIC ANEMIA AND POLYENDOCRINOPATHY. Identifiers: Orphanet 37042, MedGen C0342288, MONDO:0010580, OMIM 304790. Disease mechanism: loss of function.

Submission:

Labcorp Genetics (formerly Invitae), Labcorp
Classification: Uncertain significance for Insulin-dependent diabetes mellitus secretory diarrhea syndrome. Last evaluated: 2025-02-20. Review status: criteria provided, single submitter. Criteria: Invitae Variant Classification Sherloc (09022015). Collection method: clinical testing. Allele origin: germline.
Comment: This sequence change replaces histidine, which is basic and polar, with arginine, which is basic and polar, at codon 334 of the FOXP3 protein (p.His334Arg). This variant is not present in population databases (gnomAD no frequency). This variant has not been reported in the literature in individuals affected with FOXP3-related conditions. Invitae Evidence Modeling of protein sequence and biophysical properties (such as structural, functional, and spatial information, amino acid conservation, physicochemical variation, residue mobility, and thermodynamic stability) indicates that this missense variant is not expected to disrupt FOXP3 protein function with a negative predictive value of 80%. In summary, the available evidence is currently insufficient to determine the role of this variant in disease. Therefore, it has been classified as a Variant of Uncertain Significance.